The following is an entry in ClinVar:

NM_001184880.2(PCDH19):c.955A>T (p.Lys319Ter)

Gene: PCDH19 (protocadherin 19; minus strand). Cytogenetic location: Xq22.1.
Variant type: single nucleotide variant.
Coding change: c.955A>T on transcript NM_001184880.2 (MANE Select); coding-DNA position 955, A replaced by T.
Protein change: p.Lys319Ter; replaces lysine 319 with a stop codon.
Molecular consequence: nonsense.
Genome position (GRCh38, 1-based): chrX:100,407,643, T>A on the plus strand (A>T on the coding strand, the complement: PCDH19 is on the minus strand). VCF-style: chrX-100407643-T-A. GRCh37 (hg19) VCF-style: chrX-99662641-T-A.
Other names: c.955A>T, p.Lys319Ter (NM_020766.3, NM_001105243.2); short protein forms K319*.
Identifiers: ClinVar variation 620397 (VCV000620397.1), dbSNP rs1569315186, ClinGen allele CA414004928.
Genomic context (GRCh38, chrX:100,407,643, plus strand): 5'-TGTCCAGCACGCTGACGGTGACCTTGCAGTGTGCCGGGATGGAATTGGGCCCCAAGTCCT[T>A]AGCCTGCACGTCCAGTTCGTACACGTGCCCCTCTTCGTAGTCTAAAGCGCCAGTGACAGT-3'

ClinVar aggregate classification (germline): Pathogenic (1 of 4 stars; one submission).

Submission:

GeneDx
Classification: Pathogenic. Last evaluated: 2018-10-05. Review status: criteria provided, single submitter. Criteria: GeneDx Variant Classification (06012015). Collection method: clinical testing. Allele origin: germline. Affected: yes.
Comment: The K319X nonsense variant in the PCDH19 gene is predicted to cause loss of normal protein function either through protein truncation or nonsense-mediated mRNA decay. The K319X variant is not observed in large population cohorts (Lek et al., 2016).